The following is an entry in ClinVar:

NC_012920.1(MT-CYB):m.14858G>A

Gene: MT-CYB (mitochondrially encoded cytochrome b; plus strand).
Variant type: single nucleotide variant.
Genome position: chrM-14858-G-A.
Identifiers: ClinVar variation 693777 (VCV000693777.1), dbSNP rs1603224930, ClinGen allele CA913172286.
Genomic context (GRCh38, chrMT:14,858, plus strand): 5'-TTCATCGACCTCCCCACCCCATCCAACATCTCCGCATGATGAAACTTCGGCTCACTCCTT[G>A]GCGCCTGCCTGATCCTCCAAATCACCACAGGACTATTCCTAGCCATGCACTACTCACCAG-3'

ClinVar aggregate classification (germline): Uncertain significance (1 of 4 stars; one submission).

Conditions:
Leigh syndrome (NULS). Also called: Leigh's necrotizing encephalopathy; Leigh's disease; Leigh's syndrome; LEIGH SYNDROME, NUCLEAR; Leigh Syndrome (mtDNA deletion); Leigh Disease. Identifiers: Orphanet 506, MedGen C2931891, MONDO:0009723, OMIM 256000.

Submission:

Wong Mito Lab, Molecular and Human Genetics, Baylor College of Medicine
Classification: Uncertain significance for Leigh syndrome. Last evaluated: 2019-10-17. Review status: criteria provided, single submitter. Criteria: Modified ACMG Guidelines (Unpublished). Collection method: clinical testing. Allele origin: germline.
Comment: The NC_012920.1:m.14858G>A (YP_003024038.1:p.Gly38Ser) variant in MTCYB gene is interpretated to be a Uncertain Significance variant based on the modified ACMG guidelines (unpublished). This variant meets the following evidence codes: PP6